The following is an entry in ClinVar:

NM_138694.4(PKHD1):c.1396G>C (p.Gly466Arg)

Gene: PKHD1 (PKHD1 ciliary IPT domain containing fibrocystin/polyductin; minus strand). Cytogenetic location: 6p12.2.
Variant type: single nucleotide variant.
Coding change: c.1396G>C on transcript NM_138694.4 (MANE Select); coding-DNA position 1396, G replaced by C.
Protein change: p.Gly466Arg; replaces glycine 466 with arginine.
Molecular consequence: missense variant.
Genome position (GRCh38, 1-based): chr6:52,058,439, C>G on the plus strand (G>C on the coding strand, the complement: PKHD1 is on the minus strand). VCF-style: chr6-52058439-C-G. GRCh37 (hg19) VCF-style: chr6-51923237-C-G.
Other names: c.1396G>C, p.Gly466Arg (NM_170724.3); short protein forms G466R.
Identifiers: ClinVar variation 4816579 (VCV004816579.1).

ClinVar aggregate classification (germline): Likely pathogenic (1 of 4 stars; one submission).

Conditions:
Autosomal recessive polycystic kidney disease (ARPKD). Also called: AR polycystic kidney disease. Identifiers: Orphanet 731, Orphanet 8378, MedGen C0085548, MeSH D017044, MONDO:0009889.

gnomAD v4.1: 2 of 1,614,142 alleles (0.00012%); highest among the groups gnomAD compares: Non-Finnish European, 0.00017%; no homozygotes.

Submission:

Natera, Inc.
Classification: Likely pathogenic for Autosomal recessive polycystic kidney disease. Last evaluated: 2025-11-19. Review status: criteria provided, single submitter. Criteria: Natera Variant Classification Schema (03/2026). Collection method: clinical testing. Allele origin: germline.
Comment: The c.1396G>C variant in PKHD1 is a missense variant predicted to cause substitution of glycine to arginine at amino acid 466. This variant is rare in the general population with a frequency below the threshold expected for the associated phenotype(s). Another variant at this same site results in an alteration predicted to cause a similar molecular effect has been observed in individual(s) with the associated phenotype. A different variant at the same position has been determined to be Pathogenic or Likely Pathogenic. Computational prediction algorithms indicate this variant is likely to affect gene or protein function. Given the available evidence, this variant is classified as Likely Pathogenic.